The following is an entry in ClinVar:

NM_005612.5(REST):c.89T>C (p.Met30Thr)

Gene: REST (RE1 silencing transcription factor; plus strand). Cytogenetic location: 4q12.
Variant type: single nucleotide variant.
Coding change: c.89T>C on transcript NM_005612.5 (MANE Select); coding-DNA position 89, T replaced by C.
Protein change: p.Met30Thr; replaces methionine 30 with threonine.
Molecular consequence: missense variant.
Genome position (GRCh38, 1-based): chr4:56,910,727, T>C. VCF-style: chr4-56910727-T-C. GRCh37 (hg19) VCF-style: chr4-57776893-T-C.
Other names: c.89T>C, p.Met30Thr (NM_001193508.2, NM_001363453.3); short protein forms M30T.
Identifiers: ClinVar variation 2418108 (VCV002418108.5), dbSNP rs2475797490, ClinGen allele CA357002613.

ClinVar aggregate classification (germline): Uncertain significance (1 of 4 stars; one submission).

Allele frequency attached by ClinVar (database versions not stated): gnomAD exomes below 0.00001.
gnomAD v4.1: 1 of 1,614,202 alleles (0.000062%); highest among the groups gnomAD compares: Non-Finnish European, 0.000085%; no homozygotes.

Submission:

Labcorp Genetics (formerly Invitae), Labcorp
Classification: Uncertain significance. Last evaluated: 2023-12-21. Review status: criteria provided, single submitter. Criteria: Invitae Variant Classification Sherloc (09022015). Collection method: clinical testing. Allele origin: germline.
Comment: This sequence change replaces methionine, which is neutral and non-polar, with threonine, which is neutral and polar, at codon 30 of the REST protein (p.Met30Thr). This variant is not present in population databases (gnomAD no frequency). This variant has not been reported in the literature in individuals affected with REST-related conditions. ClinVar contains an entry for this variant (Variation ID: 2418108). An algorithm developed to predict the effect of missense changes on protein structure and function (PolyPhen-2) suggests that this variant is likely to be tolerated. In summary, the available evidence is currently insufficient to determine the role of this variant in disease. Therefore, it has been classified as a Variant of Uncertain Significance.